The following is an entry in ClinVar:

ClinVar aggregate classification (germline): Uncertain significance (1 of 4 stars; one submission).

Submission:

Labcorp Genetics (formerly Invitae), Labcorp
Classification: Uncertain significance. Last evaluated: 2023-06-06. Review status: criteria provided, single submitter. Criteria: Invitae Variant Classification Sherloc (09022015). Collection method: clinical testing. Allele origin: germline.
Comment: In summary, the available evidence is currently insufficient to determine the role of this variant in disease. Therefore, it has been classified as a Variant of Uncertain Significance. Advanced modeling of protein sequence and biophysical properties (such as structural, functional, and spatial information, amino acid conservation, physicochemical variation, residue mobility, and thermodynamic stability) performed at Invitae indicates that this missense variant is not expected to disrupt ARID1A protein function. This variant has not been reported in the literature in individuals affected with ARID1A-related conditions. This variant is not present in population databases (gnomAD no frequency). This sequence change replaces proline, which is neutral and non-polar, with arginine, which is basic and polar, at codon 320 of the ARID1A protein (p.Pro320Arg).

NM_006015.6(ARID1A):c.959C>G (p.Pro320Arg)

Genes: ARID1A (AT-rich interaction domain 1A; plus strand), LOC129929837 (ATAC-STARR-seq lymphoblastoid silent region 489; plus strand). Cytogenetic location: 1p36.11.
Variant type: single nucleotide variant.
Coding change: c.959C>G on transcript NM_006015.6 (MANE Select); coding-DNA position 959, C replaced by G.
Protein change: p.Pro320Arg; replaces proline 320 with arginine.
Molecular consequence: missense variant.
Genome position (GRCh38, 1-based): chr1:26,697,362, C>G. VCF-style: chr1-26697362-C-G. GRCh37 (hg19) VCF-style: chr1-27023853-C-G.
Other names: c.959C>G, p.Pro320Arg (NM_139135.4); short protein forms P320R.
Identifiers: ClinVar variation 2693764 (VCV002693764.3), dbSNP rs2124744495, ClinGen allele CA339266888.